The following is an entry in ClinVar:

NM_001148.6(ANK2):c.11612G>A (p.Gly3871Glu)

Gene: ANK2 (ankyrin 2; plus strand). Cytogenetic location: 4q26.
Variant type: single nucleotide variant.
Coding change: c.11612G>A on transcript NM_001148.6 (MANE Select); coding-DNA position 11612, G replaced by A.
Protein change: p.Gly3871Glu; replaces glycine 3871 with glutamic acid.
Molecular consequence: missense variant. On other transcripts: intron variant (1).
Genome position (GRCh38, 1-based): chr4:113,373,091, G>A. VCF-style: chr4-113373091-G-A. GRCh37 (hg19) VCF-style: chr4-114294247-G-A.
Other names: c.5330G>A, p.Gly1777Glu (NM_001127493.3); c.5369G>A, p.Gly1790Glu (NM_001354225.2); c.5351G>A, p.Gly1784Glu (NM_001354228.2); c.5336G>A, p.Gly1779Glu (NM_001354230.2); c.5492G>A, p.Gly1831Glu (NM_001354231.2); c.5486G>A, p.Gly1829Glu (NM_001354232.2); c.5447G>A, p.Gly1816Glu (NM_001354235.2); c.5255G>A, p.Gly1752Glu (NM_001354236.2); and 44 more; short protein forms G1691E, G1699E, G1722E, G1728E, G1741E, G1743E, G1744E, G1765E.
Identifiers: ClinVar variation 1736701 (VCV001736701.2), dbSNP rs760993748, ClinGen allele CA3052332.

ClinVar aggregate classification (germline): Uncertain significance (1 of 4 stars; one submission).

Conditions:
Cardiovascular phenotype. Identifiers: MedGen CN230736.

Allele frequency attached by ClinVar (database versions not stated): ExAC 0.00001.
gnomAD v4.1: 1 of 1,613,892 alleles (0.000062%); highest among the groups gnomAD compares: East Asian, 0.0022%; no homozygotes.

Submission:

Ambry Genetics
Classification: Uncertain significance for Cardiovascular phenotype. Last evaluated: 2018-09-27. Review status: criteria provided, single submitter. Criteria: Ambry Variant Classification Scheme 2023. Collection method: clinical testing. Allele origin: germline.
Comment: The p.G3871E variant (also known as c.11612G>A), located in coding exon 44 of the ANK2 gene, results from a G to A substitution at nucleotide position 11612. The glycine at codon 3871 is replaced by glutamic acid, an amino acid with similar properties. This amino acid position is not well conserved in available vertebrate species. In addition, this alteration is predicted to be deleterious by in silico analysis. Since supporting evidence is limited at this time, the clinical significance of this alteration remains unclear.